The following is an entry in ClinVar:

NM_002473.6(MYH9):c.4563C>T (p.His1521=)

Gene: MYH9 (myosin heavy chain 9; minus strand). Cytogenetic location: 22q12.3.
Variant type: single nucleotide variant.
Coding change: c.4563C>T on transcript NM_002473.6 (MANE Select); coding-DNA position 4563, C replaced by T.
Protein change: p.His1521=; no amino-acid change (histidine 1521 retained).
Molecular consequence: synonymous variant.
Genome position (GRCh38, 1-based): chr22:36,288,934, G>A on the plus strand (C>T on the coding strand, the complement: MYH9 is on the minus strand). VCF-style: chr22-36288934-G-A. GRCh37 (hg19) VCF-style: chr22-36684980-G-A.
Other names: p.His1521=.
Identifiers: ClinVar variation 44563 (VCV000044563.27), dbSNP rs11549907, ClinGen allele CA134537.

ClinVar aggregate classification (germline): Benign/Likely benign. Review status: criteria provided, multiple submitters, no conflicts (2 of 4 stars). 13 submissions from 12 submitters: Benign (12); Likely benign (1). Last evaluated 2026-02-04.

Conditions:
MYH9-related disorder. Identifiers: MedGen C1854520.
Atypical hemolytic-uremic syndrome. Identifiers: Orphanet 2134, MedGen C2931788, MONDO:0016244.
Autosomal dominant nonsyndromic hearing loss 17. Also called: Deafness, autosomal dominant 17; Autosomal dominant nonsyndromic deafness 17. Identifiers: Orphanet 90635, MedGen C1863659, MONDO:0011350, OMIM 603622.

Allele frequency attached by ClinVar (database versions not stated): gnomAD exomes 0.01670 and 0.02841; ExAC 0.02430; ESP Exome Variant Server 0.02891; gnomAD 0.02903; 1000 Genomes Project 0.04054; TOPMed 0.04142; 1000 Genomes Project 30x 0.04403.
gnomAD v4.1: 30,086 of 1,613,760 alleles (1.9%); highest among the groups gnomAD compares: Admixed American, 10%; 727 homozygotes.

Submissions (13):

Labcorp Genetics (formerly Invitae), Labcorp
Classification: Benign. Last evaluated: 2026-02-04. Review status: criteria provided, single submitter. Criteria: Invitae Variant Classification Sherloc (09022015). Collection method: clinical testing. Allele origin: germline.

ARUP Laboratories, Molecular Genetics and Genomics, ARUP Laboratories
Classification: Benign. Last evaluated: 2025-04-11. Review status: criteria provided, single submitter. Criteria: ARUP Molecular Germline Variant Investigation Process 2024. Collection method: clinical testing. Allele origin: germline.

Blueprint Genetics
Classification: Likely benign. Last evaluated: 2024-11-26. Review status: criteria provided, single submitter. Criteria: ACMG Guidelines, 2015. Collection method: clinical testing. Allele origin: germline.

Unidad de Genómica Garrahan, Hospital de Pediatría Garrahan
Classification: Benign. Last evaluated: 2024-07-15. Review status: criteria provided, single submitter. Criteria: ACMG Guidelines, 2015. Collection method: clinical testing. Allele origin: germline. Affected: no. Observed: 24 variant alleles.
Comment: This variant is classified as Benign based on local population frequency. This variant was detected in 26% of patients studied in a panel designed for Epileptic and Developmental Encephalopathy and Progressive Myoclonus Epilepsy. Number of patients: 24. Only high quality variants are reported.

Mayo Clinic Laboratories, Mayo Clinic
Classification: Benign. Last evaluated: 2022-09-29. Review status: criteria provided, single submitter. Criteria: ACMG Guidelines, 2015. Collection method: clinical testing. Allele origin: germline. Observed: 65 variant alleles.

Genome Diagnostics Laboratory, The Hospital for Sick Children
Classification: Benign for Atypical hemolytic-uremic syndrome. Last evaluated: 2022-08-06. Review status: criteria provided, single submitter. Criteria: ACMG Guidelines, 2015. Collection method: clinical testing. Allele origin: germline.

Athena Diagnostics
Classification: Benign. Last evaluated: 2018-11-12. Review status: criteria provided, single submitter. Criteria: Athena Diagnostics Criteria. Collection method: clinical testing. Allele origin: germline.

Illumina Laboratory Services, Illumina
Classification: Benign for Autosomal dominant nonsyndromic hearing loss 17. Last evaluated: 2018-01-12. Review status: criteria provided, single submitter. Criteria: ICSL Variant Classification Criteria 13 December 2019. Collection method: clinical testing. Allele origin: germline.
Comment: This variant was observed in the ICSL laboratory as part of a predisposition screen in an ostensibly healthy population. It had not been previously curated by ICSL or reported in the Human Gene Mutation Database (HGMD: prior to June 1st, 2018), and was therefore a candidate for classification through an automated scoring system. Utilizing variant allele frequency, disease prevalence and penetrance estimates, and inheritance mode, an automated score was calculated to assess if this variant is too frequent to cause the disease. Based on the score and internal cut-off values, a variant classified as benign is not then subjected to further curation. The score for this variant resulted in a classification of benign for this disease.

Illumina Laboratory Services, Illumina
Classification: Benign for MYH9-related disorder. Last evaluated: 2018-01-12. Review status: criteria provided, single submitter. Criteria: ICSL Variant Classification Criteria 13 December 2019. Collection method: clinical testing. Allele origin: germline.
Comment: the same text as in the submission from Illumina Laboratory Services, Illumina above.

GeneDx
Classification: Benign. Last evaluated: 2017-05-09. Review status: criteria provided, single submitter. Criteria: GeneDx Variant Classification (06012015). Collection method: clinical testing. Allele origin: germline. Affected: yes.
Comment: This variant is considered likely benign or benign based on one or more of the following criteria: it is a conservative change, it occurs at a poorly conserved position in the protein, it is predicted to be benign by multiple in silico algorithms, and/or has population frequency not consistent with disease.

Laboratory for Molecular Medicine, Mass General Brigham Personalized Medicine
Classification: Benign. Last evaluated: 2012-05-07. Review status: criteria provided, single submitter. Criteria: LMM Criteria. Collection method: clinical testing. Allele origin: germline. Observed: 118 variant alleles.
Comment: "His1521His in Exon 33 of MYH9: This variant is not expected to have clinical si gnificance because it does not alter an amino acid residue, is not located withi n the splice consensus sequence, and has been identified in 5.8% (217/3738) of A frican American chromosomes from a broad population by the NHLBI Exome Sequencin g Project (dbSNP rs11549907)."

Breakthrough Genomics
Classification: Benign. Review status: criteria provided, single submitter. Criteria: ACMG Guidelines, 2015. Collection method: not provided. Allele origin: germline. Inheritance: Autosomal dominant inheritance. Affected: yes.

PreventionGenetics, part of Exact Sciences
Classification: Benign. Review status: criteria provided, single submitter. Criteria: ACMG Guidelines, 2015. Collection method: clinical testing. Allele origin: germline.